The following is an entry in ClinVar:

NM_006218.4(PIK3CA):c.1262C>G (p.Pro421Arg)

Gene: PIK3CA (phosphatidylinositol-4,5-bisphosphate 3-kinase catalytic subunit alpha; plus strand). Cytogenetic location: 3q26.32.
Variant type: single nucleotide variant.
Coding change: c.1262C>G on transcript NM_006218.4 (MANE Select); coding-DNA position 1262, C replaced by G.
Protein change: p.Pro421Arg; replaces proline 421 with arginine.
Molecular consequence: missense variant.
Genome position (GRCh38, 1-based): chr3:179,210,196, C>G. VCF-style: chr3-179210196-C-G. GRCh37 (hg19) VCF-style: chr3-178927984-C-G.
Other names: short protein forms P421R.
Identifiers: ClinVar variation 4997988 (VCV004997988.1).
Genomic context (GRCh38, chr3:179,210,196, plus strand): 5'-AAATGTGTTTTATAATTTAGACTAGTGAATATTTTTCTTTGTTTTTTAAGGAACACTGTC[C>G]ATTGGCATGGGGAAATATAAACTTGTTTGATTACACAGACACTCTAGTATCTGGAAAAAT-3'
Protein context (NP_006209.2, residues 411-431): GRKGAKEEHC[Pro421Arg]LAWGNINLFD

ClinVar aggregate classification (germline): Uncertain significance (1 of 4 stars; one submission).

Conditions:
PIK3CA-related disorder. Also called: PIK3CA- related disease; PIK3CA-related disorders; PIK3CA-related condition.

Submission:

PreventionGenetics, part of Exact Sciences
Classification: Uncertain significance for PIK3CA-related condition. Last evaluated: 2026-08-04. Review status: criteria provided, single submitter. Criteria: ACMG Guidelines, 2015. Collection method: clinical testing. Allele origin: germline.
Comment: The PIK3CA c.1262C>G variant is predicted to result in the amino acid substitution p.Pro421Arg. To our knowledge, this variant has not been reported in the literature or in a large population database (gnomAD), indicating this variant is rare. The p.Pro421Arg is located within the highly conserved kinase domain of the PIK3CA protein. Although we suspect this variant may be pathogenic, at this time, the clinical significance of this variant is uncertain due to the absence of conclusive functional and genetic evidence.